The following is an entry in ClinVar:

ClinVar aggregate classification (germline): Conflicting classifications of pathogenicity. Review status: criteria provided, conflicting classifications (1 of 4 stars). 5 submissions from 5 submitters: Pathogenic (1); Likely pathogenic (2); Uncertain significance (1). 1 of the submissions does not count toward it. Last evaluated 2024-02-14.

Conditions:
3-Oxo-5 alpha-steroid delta 4-dehydrogenase deficiency (PPSH). Also called: PSEUDOVAGINAL PERINEOSCROTAL HYPOSPADIAS; FAMILIAL INCOMPLETE MALE PSEUDOHERMAPHRODITISM, TYPE 2; MALE PSEUDOHERMAPHRODITISM DUE TO 5-ALPHA-REDUCTASE DEFICIENCY; 46,XY disorder of sex development due to 5-alpha-reductase 2 deficiency. Identifiers: Orphanet 753, MedGen C0268297, MONDO:0009923, OMIM 264600. Disease mechanism: loss of function.

Allele frequency attached by ClinVar (database versions not stated): gnomAD exomes 0.00002; TOPMed 0.00002; ExAC 0.00003; gnomAD 0.00003; ESP Exome Variant Server 0.00008.
gnomAD v4.1: 77 of 1,612,384 alleles (0.0048%); highest among the groups gnomAD compares: Non-Finnish European, 0.0063%; no homozygotes.

Submissions (5):

Labcorp Genetics (formerly Invitae), Labcorp
Classification: Likely pathogenic for 3-Oxo-5 alpha-steroid delta 4-dehydrogenase deficiency. Last evaluated: 2024-02-14. Review status: criteria provided, single submitter. Criteria: Invitae Variant Classification Sherloc (09022015). Collection method: clinical testing. Allele origin: germline.
Comment: This sequence change affects an acceptor splice site in intron 3 of the SRD5A2 gene. It is expected to disrupt RNA splicing. Variants that disrupt the donor or acceptor splice site typically lead to a loss of protein function (PMID: 16199547), and loss-of-function variants in SRD5A2 are known to be pathogenic (PMID: 1406794, 1944596). This variant is present in population databases (rs61750397, gnomAD 0.005%). Disruption of this splice site has been observed in individual(s) with disorders of sex development (PMID: 21147889, 28938747). ClinVar contains an entry for this variant (Variation ID: 97408). Algorithms developed to predict the effect of sequence changes on RNA splicing suggest that this variant may disrupt the consensus splice site. In summary, the currently available evidence indicates that the variant is pathogenic, but additional data are needed to prove that conclusively. Therefore, this variant has been classified as Likely Pathogenic.

Blueprint Genetics
Classification: Uncertain significance. Last evaluated: 2022-03-14. Review status: criteria provided, single submitter. Criteria: ACMG Guidelines, 2015. Collection method: clinical testing. Allele origin: germline.

Clinical Genomics Laboratory, Stanford Medicine
Classification: Likely pathogenic for 3-Oxo-5 alpha-steroid delta 4-dehydrogenase deficiency. Last evaluated: 2021-10-18. Review status: criteria provided, single submitter. Criteria: ACMG Guidelines, 2015. Collection method: clinical testing. Allele origin: maternal. Inheritance: Autosomal recessive inheritance. Observed: 2 variant alleles, 2 heterozygotes. Clinical features observed: Microphallus, cleft lip, microcephaly, mild progressive sensorineural hearing loss.
Comment: The c.548-2A>C variant in the SRD5A2 gene has been previously reported in the compound heterozygous state with a missense variant, p.G56R, in an individual with 5-alpha-reductase type 2 deficiency, however, phasing of these variants was not confirmed (Maimoun et al., 2011). This variant was reported in the heterozygous state in another individual diagnosed with 5-alpha-reductase type 2 deficiency, however, a second variant in SRD5A2 was not detected (Nixon et al., 2017). This variant has been identified in 7/279,258 chromosomes by the Genome Aggregation Database. Although this variant has been seen in the general population, its frequency is low enough to be consistent a recessive carrier frequency. This variant alters the canonical acceptor splice site in intron 3, which is predicted to result in abnormal gene splicing. These data were assessed using the ACMG/AMP variant interpretation guidelines. In summary, there is sufficient evidence to classify the c.548-2A>C variant as likely pathogenic for 5-alpha-reductase type 2 deficiency in an autosomal recessive manner based on the information above. [ACMG evidence codes used: PVS1_Strong; PM2]

Fulgent Genetics
Classification: Pathogenic for 3-Oxo-5 alpha-steroid delta 4-dehydrogenase deficiency. Last evaluated: 2021-10-02. Review status: criteria provided, single submitter. Criteria: ACMG Guidelines, 2015. Collection method: clinical testing. Allele origin: unknown.

University of Sydney Medical Foundation
No classification provided. Review status: no classification provided. Collection method: not provided. Allele origin: not provided. Not counted in ClinVar's aggregate classification.

Literature cited by the submitters: PubMed 16199547 (cited by Labcorp Genetics (formerly Invitae), Labcorp); PubMed 1406794 (cited by Labcorp Genetics (formerly Invitae), Labcorp); PubMed 1944596 (cited by Labcorp Genetics (formerly Invitae), Labcorp); PubMed 21147889 (cited by Labcorp Genetics (formerly Invitae), Labcorp and Clinical Genomics Laboratory, Stanford Medicine); PubMed 28938747 (cited by Labcorp Genetics (formerly Invitae), Labcorp and Clinical Genomics Laboratory, Stanford Medicine).

NM_000348.4(SRD5A2):c.548-2A>C

Gene: SRD5A2 (steroid 5 alpha-reductase 2; minus strand). Cytogenetic location: 2p23.1.
Variant type: single nucleotide variant.
Coding change: c.548-2A>C on transcript NM_000348.4 (MANE Select); the canonical splice acceptor site of the intron before coding-DNA position 548, A replaced by C.
Molecular consequence: splice acceptor variant.
Genome position (GRCh38, 1-based): chr2:31,529,459, T>G on the plus strand (A>C on the coding strand, the complement: SRD5A2 is on the minus strand). VCF-style: chr2-31529459-T-G. GRCh37 (hg19) VCF-style: chr2-31754529-T-G.
Identifiers: ClinVar variation 97408 (VCV000097408.10), dbSNP rs61750397, ClinGen allele CA224911.